The following is an entry in ClinVar:

ClinVar aggregate classification (germline): Uncertain significance (1 of 4 stars; one submission).

Conditions:
Ataxia-telangiectasia syndrome (AT). Also called: AT, COMPLEMENTATION GROUP C; Ataxia-telangiectasia, complementation group D; Cerebello-oculocutaneous telangiectasia; Immunodeficiency with ataxia telangiectasia; LOUIS-BAR SYNDROME; Ataxia telangiectasia (A-T). Identifiers: Orphanet 100, MedGen C0004135, MONDO:0008840, OMIM 208900.

Submission:

Labcorp Genetics (formerly Invitae), Labcorp
Classification: Uncertain significance for Ataxia-telangiectasia syndrome. Last evaluated: 2025-07-08. Review status: criteria provided, single submitter. Criteria: Invitae Variant Classification Sherloc (09022015). Collection method: clinical testing. Allele origin: germline.
Comment: This sequence change falls in intron 10 of the ATM gene. It does not directly change the encoded amino acid sequence of the ATM protein. This variant is not present in population databases (gnomAD no frequency). This variant has not been reported in the literature in individuals affected with ATM-related conditions. Algorithms developed to predict the effect of sequence changes on RNA splicing suggest that this variant may disrupt the consensus splice site. In summary, the available evidence is currently insufficient to determine the role of this variant in disease. Therefore, it has been classified as a Variant of Uncertain Significance.

NM_000051.4(ATM):c.1608-13T>A

Gene: ATM (ATM serine/threonine kinase; plus strand). Cytogenetic location: 11q22.3.
Variant type: single nucleotide variant.
Coding change: c.1608-13T>A on transcript NM_000051.4 (MANE Select); 13 bases into the intron before coding-DNA position 1608, T replaced by A.
Molecular consequence: intron variant.
Genome position (GRCh38, 1-based): chr11:108,251,824, T>A. VCF-style: chr11-108251824-T-A. GRCh37 (hg19) VCF-style: chr11-108122551-T-A.
Other names: c.1608-13T>A (NM_001351834.2).
Identifiers: ClinVar variation 4709302 (VCV004709302.1).